The following is an entry in ClinVar:

ClinVar aggregate classification (germline): Uncertain significance (1 of 4 stars; one submission).

Submission:

Women's Health and Genetics/Laboratory Corporation of America, LabCorp
Classification: Uncertain significance. Last evaluated: 2025-06-17. Review status: criteria provided, single submitter. Criteria: LabCorp Variant Classification Summary - May 2015. Collection method: clinical testing. Allele origin: germline.
Comment: Variant summary: KMT2C c.10832A>T (p.Lys3611Ile) results in a non-conservative amino acid change in the encoded protein sequence. Algorithms developed to predict the effect of missense changes on protein structure and function all suggest that this variant is likely to be disruptive. The variant was absent in 250370 control chromosomes. The available data on variant occurrences in the general population are insufficient to allow any conclusion about variant significance. To our knowledge, no occurrence of c.10832A>T in individuals affected with Kleefstra Syndrome 2 and no experimental evidence demonstrating its impact on protein function have been reported. No submitters have cited clinical-significance assessments for this variant to ClinVar. Based on the evidence outlined above, the variant was classified as uncertain significance.

NM_170606.3(KMT2C):c.10832A>T (p.Lys3611Ile)

Gene: KMT2C (lysine methyltransferase 2C; minus strand). Cytogenetic location: 7q36.1.
Variant type: single nucleotide variant.
Coding change: c.10832A>T on transcript NM_170606.3 (MANE Select); coding-DNA position 10832, A replaced by T.
Protein change: p.Lys3611Ile; replaces lysine 3611 with isoleucine.
Molecular consequence: missense variant.
Genome position (GRCh38, 1-based): chr7:152,162,745, T>A on the plus strand (A>T on the coding strand, the complement: KMT2C is on the minus strand). VCF-style: chr7-152162745-T-A. GRCh37 (hg19) VCF-style: chr7-151859830-T-A.
Other names: short protein forms K3611I.
Identifiers: ClinVar variation 3907055 (VCV003907055.1).